The following is an entry in ClinVar:

ClinVar aggregate classification (germline): Pathogenic (1 of 4 stars; one submission).

Conditions:
Hyperphosphatasia with impaired intellectual development syndrome 2. Also called: GLYCOSYLPHOSPHATIDYLINOSITOL BIOSYNTHESIS DEFECT 6; Hyperphosphatasia with intellectual disability syndrome 2. Identifiers: Orphanet 247262, MedGen C3553637, MONDO:0013882, OMIM 614749.

Submission:

Labcorp Genetics (formerly Invitae), Labcorp
Classification: Pathogenic for Hyperphosphatasia with impaired intellectual development syndrome 2. Last evaluated: 2023-11-19. Review status: criteria provided, single submitter. Criteria: Invitae Variant Classification Sherloc (09022015). Collection method: clinical testing. Allele origin: germline.
Comment: This sequence change creates a premature translational stop signal (p.Gln397*) in the PIGO gene. It is expected to result in an absent or disrupted protein product. Loss-of-function variants in PIGO are known to be pathogenic (PMID: 22683086, 24417746). This variant is not present in population databases (gnomAD no frequency). This variant has not been reported in the literature in individuals affected with PIGO-related conditions. For these reasons, this variant has been classified as Pathogenic.

Literature cited by the submitters: PubMed 22683086; PubMed 24417746.

NM_032634.4(PIGO):c.1189C>T (p.Gln397Ter)

Gene: PIGO (phosphatidylinositol glycan anchor biosynthesis class O; minus strand). Cytogenetic location: 9p13.3.
Variant type: single nucleotide variant.
Coding change: c.1189C>T on transcript NM_032634.4 (MANE Select); coding-DNA position 1189, C replaced by T.
Protein change: p.Gln397Ter; replaces glutamine 397 with a stop codon.
Molecular consequence: nonsense.
Genome position (GRCh38, 1-based): chr9:35,092,698, G>A on the plus strand (C>T on the coding strand, the complement: PIGO is on the minus strand). VCF-style: chr9-35092698-G-A. GRCh37 (hg19) VCF-style: chr9-35092695-G-A.
Other names: c.1189C>T, p.Gln397Ter (NM_001201484.2, NM_152850.4); short protein forms Q397*.
Identifiers: ClinVar variation 2786782 (VCV002786782.3), dbSNP rs2490457430, ClinGen allele CA373322620.
Genomic context (GRCh38, chr9:35,092,698, plus strand): 5'-CCCCCTTGGGGCTCTGGAGAAGCCACTGGTAGTCAGCAGAGGCCTTGGAGAAGAGGTTCT[G>A]CAGCTGATGAAGCTCCTTAGCTTGAAGGTCCTGAGTAGCAGCTGAGTAGGTATGAAGAAA-3'